The following is an entry in ClinVar:

ClinVar aggregate classification (germline): Uncertain significance. Review status: criteria provided, multiple submitters, no conflicts (2 of 4 stars). 4 submissions from 4 submitters: Uncertain significance (4). Last evaluated 2024-03-25.

Conditions:
Pyridoxine-dependent epilepsy (EPEO4). Also called: Pyridoxine-Dependent Seizures; Pyridoxine-Dependent Epilepsy - ALDH7A1; PYRIDOXINE DEPENDENCY WITH SEIZURES; EPILEPSY, EARLY-ONSET, 4, VITAMIN B6-DEPENDENT. Identifiers: Orphanet 3006, MedGen C1849508, MONDO:0009945, OMIM 266100. Disease mechanism: loss of function.

Allele frequency attached by ClinVar (database versions not stated): gnomAD exomes 0.00001 and 0.00003; TOPMed 0.00011; ExAC 0.00001; gnomAD 0.00006; ESP Exome Variant Server 0.00015.
gnomAD v4.1: 25 of 1,613,534 alleles (0.0015%); highest among the groups gnomAD compares: African/African-American, 0.02%; no homozygotes.

Submissions (4):

GeneDx
Classification: Uncertain significance. Last evaluated: 2024-03-25. Review status: criteria provided, single submitter. Criteria: GeneDx Variant Classification Process June 2021. Collection method: clinical testing. Allele origin: germline. Affected: yes.
Comment: In silico analysis supports that this missense variant does not alter protein structure/function; Has not been previously published as pathogenic or benign to our knowledge

Genome-Nilou Lab
Classification: Uncertain significance for Pyridoxine-dependent epilepsy. Last evaluated: 2023-04-11. Review status: criteria provided, single submitter. Criteria: ACMG Guidelines, 2015. Collection method: clinical testing. Allele origin: germline. Affected: no.

Labcorp Genetics (formerly Invitae), Labcorp
Classification: Uncertain significance for Pyridoxine-dependent epilepsy. Last evaluated: 2022-10-26. Review status: criteria provided, single submitter. Criteria: Invitae Variant Classification Sherloc (09022015). Collection method: clinical testing. Allele origin: germline.
Comment: This sequence change replaces alanine, which is neutral and non-polar, with valine, which is neutral and non-polar, at codon 333 of the ALDH7A1 protein (p.Ala333Val). This variant is present in population databases (rs144625212, gnomAD 0.02%). This variant has not been reported in the literature in individuals affected with ALDH7A1-related conditions. ClinVar contains an entry for this variant (Variation ID: 210118). Algorithms developed to predict the effect of missense changes on protein structure and function output the following: SIFT: "Tolerated"; PolyPhen-2: "Benign"; Align-GVGD: "Class C0". The valine amino acid residue is found in multiple mammalian species, which suggests that this missense change does not adversely affect protein function. In summary, the available evidence is currently insufficient to determine the role of this variant in disease. Therefore, it has been classified as a Variant of Uncertain Significance.

Genetic Services Laboratory, University of Chicago
Classification: Uncertain significance. Last evaluated: 2014-11-21. Review status: criteria provided, single submitter. Criteria: ACMG Guidelines, 2015. Collection method: clinical testing. Allele origin: germline.

NM_001182.5(ALDH7A1):c.998C>T (p.Ala333Val)

Gene: ALDH7A1 (aldehyde dehydrogenase 7 family member A1; minus strand). Cytogenetic location: 5q23.2.
Variant type: single nucleotide variant.
Coding change: c.998C>T on transcript NM_001182.5 (MANE Select); coding-DNA position 998, C replaced by T.
Protein change: p.Ala333Val; replaces alanine 333 with valine.
Molecular consequence: missense variant.
Genome position (GRCh38, 1-based): chr5:126,559,250, G>A on the plus strand (C>T on the coding strand, the complement: ALDH7A1 is on the minus strand). VCF-style: chr5-126559250-G-A. GRCh37 (hg19) VCF-style: chr5-125894942-G-A.
Other names: c.914C>T, p.Ala305Val (NM_001201377.2); c.998C>T, p.Ala333Val (NM_001202404.2); short protein forms A333V, A305V.
Identifiers: ClinVar variation 210118 (VCV000210118.14), dbSNP rs144625212, ClinGen allele CA207500.